The following is an entry in ClinVar:

NM_014363.6(SACS):c.6623del (p.Ala2208fs)

Gene: SACS (sacsin molecular chaperone; minus strand). Cytogenetic location: 13q12.12.
Variant type: Deletion.
Coding change: c.6623del on transcript NM_014363.6 (MANE Select); coding-DNA position 6623, one base deleted (C; older notation c.6623delC).
Protein change: p.Ala2208fs; shifts the reading frame from alanine 2208.
Molecular consequence: frameshift variant.
Genome position (GRCh38, 1-based): chr13:23,337,253, G deleted on the plus strand (C on the coding strand, the reverse complement: SACS is on the minus strand). VCF-style (leftmost placement, unchanged base first): chr13-23337252-TG-T. GRCh37 (hg19) VCF-style: chr13-23911391-TG-T.
Other names: c.6182del, p.Ala2061fs (NM_001278055.2); short protein forms A2061fs, A2208fs.
Identifiers: ClinVar variation 641897 (VCV000641897.10), dbSNP rs1181477970, ClinGen allele CA696612799.

ClinVar aggregate classification (germline): Pathogenic/Likely pathogenic. Review status: criteria provided, multiple submitters, no conflicts (2 of 4 stars). 3 submissions from 3 submitters: Pathogenic (1); Likely pathogenic (2). Last evaluated 2024-09-11.

Conditions:
Spastic paraplegia. Identifiers: MedGen C0037772, HP:0001258.
Charlevoix-Saguenay spastic ataxia (SACS). Also called: SPASTIC ATAXIA 6, AUTOSOMAL RECESSIVE; AUTOSOMAL RECESSIVE SPASTIC ATAXIA OF CHARLEVOIX-SAGUENAY; Spastic ataxia of Charlevoix-Saguenay. Identifiers: Orphanet 98, MedGen C1849140, MONDO:0010041, OMIM 270550.

Allele frequency attached by ClinVar (database versions not stated): gnomAD exomes below 0.00001; gnomAD 0.00001; TOPMed 0.00001.

Submissions (3):

Natera, Inc.
Classification: Likely pathogenic for Charlevoix-Saguenay type spastic ataxia. Last evaluated: 2024-09-11. Review status: criteria provided, single submitter. Criteria: Natera Variant Classification Schema (03/2026). Collection method: clinical testing. Allele origin: germline.
Comment: The c.6623delC variant in SACS is a frameshift variant predicted to shift the reading frame beginning at codon 2208 and leads to a stop codon 12 codons downstream. This variant is expected to result in nonsense mediated decay, truncation, or a dysfunctional protein product. This variant is rare in the general population with a frequency below the threshold expected for the associated phenotype(s). Given the available evidence, this variant is classified as Likely Pathogenic.

Labcorp Genetics (formerly Invitae), Labcorp
Classification: Pathogenic for Spastic paraplegia. Last evaluated: 2024-03-19. Review status: criteria provided, single submitter. Criteria: Invitae Variant Classification Sherloc (09022015). Collection method: clinical testing. Allele origin: germline.
Comment: This sequence change creates a premature translational stop signal (p.Ala2208Glufs*12) in the SACS gene. While this is not anticipated to result in nonsense mediated decay, it is expected to disrupt the last 2372 amino acid(s) of the SACS protein. This variant is not present in population databases (gnomAD no frequency). This variant has not been reported in the literature in individuals affected with SACS-related conditions. ClinVar contains an entry for this variant (Variation ID: 641897). This variant disrupts a region of the SACS protein in which other variant(s) (p.Arg3903*) have been determined to be pathogenic (PMID: 19892370, 21745802). This suggests that this is a clinically significant region of the protein, and that variants that disrupt it are likely to be disease-causing. For these reasons, this variant has been classified as Pathogenic.

Baylor Genetics
Classification: Likely pathogenic for Charlevoix-Saguenay spastic ataxia. Last evaluated: 2024-03-14. Review status: criteria provided, single submitter. Criteria: ACMG Guidelines, 2015. Collection method: clinical testing. Allele origin: unknown.

Literature cited by the submitters: PubMed 19892370 (cited by Labcorp Genetics (formerly Invitae), Labcorp); PubMed 21745802 (cited by Labcorp Genetics (formerly Invitae), Labcorp).